The following is an entry in ClinVar:

ClinVar aggregate classification (germline): Pathogenic. Review status: criteria provided, multiple submitters, no conflicts (2 of 4 stars). 2 submissions from 2 submitters: Pathogenic (2). Last evaluated 2023-02-23.

Conditions:
GNPTG-mucolipidosis. Also called: MUCOLIPIDOSIS III, COMPLEMENTATION GROUP C; MUCOLIPIDOSIS III, IRANIAN VARIANT FORM; MUCOLIPIDOSIS III, VARIANT FORM; ML III GAMMA; ML IIIC; Mucolipidosis type III gamma. Identifiers: Orphanet 423470, Orphanet 577, MedGen C1854896, MONDO:0009652, OMIM 252605.

Submissions (2):

3billion
Classification: Pathogenic for GNPTG-mucolipidosis. Last evaluated: 2023-02-23. Review status: criteria provided, single submitter. Criteria: ACMG Guidelines, 2015. Collection method: clinical testing. Allele origin: unknown. Affected: yes.
Comment: The variant is not observed in the gnomAD v2.1.1 dataset. This homozygous variant was predicted to alter splicing and result in a loss or disruption of normal protein function. Multiple pathogenic loss-of-function variants are reported downstream of the variant. Therefore, this variant is classified as Pathogenic according to the recommendation of ACMG/AMP guideline.

Labcorp Genetics (formerly Invitae), Labcorp
Classification: Pathogenic. Last evaluated: 2023-01-13. Review status: criteria provided, single submitter. Criteria: Invitae Variant Classification Sherloc (09022015). Collection method: clinical testing. Allele origin: germline.
Comment: This variant is not present in population databases (gnomAD no frequency). Disruption of this splice site has been observed in individual(s) with mucolipidosis III gamma (PMID: 19370764). Studies have shown that disruption of this splice site results in impairs the correct recognition mechanism of normal splice sites in the near by intron located upstream. and introduces a premature termination codon (PMID: 19659762). The resulting mRNA is expected to undergo nonsense-mediated decay. For these reasons, this variant has been classified as Pathogenic. This sequence change affects an acceptor splice site in intron 8 of the GNPTG gene. RNA analysis indicates that disruption of this splice site induces altered splicing and may result in an absent or disrupted protein product.

Literature cited by the submitters: PubMed 19370764 (cited by Labcorp Genetics (formerly Invitae), Labcorp); PubMed 19659762 (cited by Labcorp Genetics (formerly Invitae), Labcorp).

NM_032520.5(GNPTG):c.610-1G>A

Gene: GNPTG (N-acetylglucosamine-1-phosphate transferase subunit gamma; plus strand). Cytogenetic location: 16p13.3.
Variant type: single nucleotide variant.
Coding change: c.610-1G>A on transcript NM_032520.5 (MANE Select); the canonical splice acceptor site of the intron before coding-DNA position 610, G replaced by A.
Molecular consequence: splice acceptor variant.
Genome position (GRCh38, 1-based): chr16:1,362,610, G>A. VCF-style: chr16-1362610-G-A. GRCh37 (hg19) VCF-style: chr16-1412611-G-A.
Identifiers: ClinVar variation 2444155 (VCV002444155.4), dbSNP rs193302854, ClinGen allele CA394188375.
Genomic context (GRCh38, chr16:1,362,610, plus strand): 5'-GGGTGGCCCCTGGTGGGCCTGGCTGGGAGCTGGGTGCTGCCCCTGCATCCTCCACCTTCA[G>A]GGCCATGAGAAGTTGCTGAGGACACTTTTTGAGGATGCTGGCTACTTAAAGACCCCAGAA-3'